The following is an entry in ClinVar:

ClinVar aggregate classification (germline): Likely benign (1 of 4 stars; one submission).

gnomAD v4.1: 15 of 1,613,428 alleles (0.00093%); highest among the groups gnomAD compares: African/African-American, 0.0053%; no homozygotes.

Submission:

CeGaT Center for Human Genetics Tuebingen
Classification: Likely benign. Last evaluated: 2026-07-01. Review status: criteria provided, single submitter. Criteria: CeGaT Center For Human Genetics Tuebingen Variant Classification Criteria Version 2. Collection method: clinical testing. Allele origin: germline. Affected: yes. Observed: 1 variant allele.
Comment: UFSP2: BS2

NM_018359.5(UFSP2):c.772G>C (p.Asp258His)

Genes: UFSP2 (UFM1 specific peptidase 2; minus strand), CFAP96 (cilia and flagella associated protein 96; plus strand). Cytogenetic location: 4q35.1.
Variant type: single nucleotide variant.
Coding change: c.772G>C on transcript NM_018359.5 (MANE Select); coding-DNA position 772, G replaced by C.
Protein change: p.Asp258His; replaces aspartic acid 258 with histidine.
Molecular consequence: missense variant. On other transcripts: non-coding transcript variant (2).
Genome position (GRCh38, 1-based): chr4:185,413,785, C>G on the plus strand (G>C on the coding strand, the complement: UFSP2 is on the minus strand). VCF-style: chr4-185413785-C-G. GRCh37 (hg19) VCF-style: chr4-186334939-C-G.
Other names: short protein forms D258H.
Identifiers: ClinVar variation 5039894 (VCV005039894.1).